The following is an entry in ClinVar:

ClinVar aggregate classification (germline): Uncertain significance (1 of 4 stars; one submission).

Conditions:
Pitt-Hopkins-like syndrome 2 (PTHSL2). Identifiers: Orphanet 221150, Orphanet 600663, MedGen C3280479, MONDO:0013690, OMIM 614325.

Submission:

Labcorp Genetics (formerly Invitae), Labcorp
Classification: Uncertain significance for Pitt-Hopkins-like syndrome 2. Last evaluated: 2021-12-03. Review status: criteria provided, single submitter. Criteria: Invitae Variant Classification Sherloc (09022015). Collection method: clinical testing. Allele origin: germline.
Comment: This sequence change replaces cysteine, which is neutral and slightly polar, with aspartic acid, which is acidic and polar, at codon 228 of the NRXN1 protein (p.Cys228Asp). In summary, the available evidence is currently insufficient to determine the role of this variant in disease. Therefore, it has been classified as a Variant of Uncertain Significance. Algorithms developed to predict the effect of missense changes on protein structure and function are either unavailable or do not agree on the potential impact of this missense change (SIFT: "Not Available"; PolyPhen-2: "Probably Damaging"; Align-GVGD: "Not Available"). This variant has not been reported in the literature in individuals affected with NRXN1-related conditions. Information on the frequency of this variant in the gnomAD database is not available, as this variant may be reported differently in the database.

NM_001330078.2(NRXN1):c.682_683delinsGA (p.Cys228Asp)

Gene: NRXN1 (neurexin 1; minus strand). Cytogenetic location: 2p16.3.
Variant type: Indel.
Coding change: c.682_683delinsGA on transcript NM_001330078.2 (MANE Select); coding-DNA positions 682 to 683, TG replaced by GA.
Protein change: p.Cys228Asp; replaces cysteine 228 with aspartic acid.
Molecular consequence: missense variant.
Genome position (GRCh38, 1-based): chr2:51,027,591-51,027,592, CA replaced by TC on the plus strand (TG replaced by GA on the coding strand, the reverse complement: NRXN1 is on the minus strand). VCF-style: chr2-51027591-CA-TC. GRCh37 (hg19) VCF-style: chr2-51254729-CA-TC.
Other names: c.682_683delinsGA, p.Cys228Asp (NM_001135659.3, NM_001330077.2, NM_001330079.2 and 15 more transcripts); short protein forms C228D.
Identifiers: ClinVar variation 1490484 (VCV001490484.6), dbSNP rs2105327302, ClinGen allele CA2573134996.